The following is an entry in ClinVar:

NM_014679.5(CEP57):c.1021G>A (p.Gly341Ser)

Gene: CEP57 (centrosomal protein 57; plus strand). Cytogenetic location: 11q21.
Variant type: single nucleotide variant.
Coding change: c.1021G>A on transcript NM_014679.5 (MANE Select); coding-DNA position 1021, G replaced by A.
Protein change: p.Gly341Ser; replaces glycine 341 with serine.
Molecular consequence: missense variant.
Genome position (GRCh38, 1-based): chr11:95,827,921, G>A. VCF-style: chr11-95827921-G-A. GRCh37 (hg19) VCF-style: chr11-95561085-G-A.
Other names: c.994G>A, p.Gly332Ser (NM_001243776.2); c.943G>A, p.Gly315Ser (NM_001243777.2); c.940G>A, p.Gly314Ser (NM_001363604.2); short protein forms G315S, G341S, G314S, G332S.
Identifiers: ClinVar variation 934593 (VCV000934593.9), dbSNP rs1862818339, ClinGen allele CA382408120.

ClinVar aggregate classification (germline): Uncertain significance (1 of 4 stars; one submission).

Conditions:
Mosaic variegated aneuploidy syndrome 2 (MVA2). Identifiers: Orphanet 1052, MedGen C3279843, MONDO:0013582, OMIM 614114.

Allele frequency attached by ClinVar (database versions not stated): gnomAD exomes below 0.00001.
gnomAD v4.1: 2 of 1,614,006 alleles (0.00012%); highest among the groups gnomAD compares: South Asian, 0.0022%; no homozygotes.

Submission:

Labcorp Genetics (formerly Invitae), Labcorp
Classification: Uncertain significance for Mosaic variegated aneuploidy syndrome 2. Last evaluated: 2022-06-04. Review status: criteria provided, single submitter. Criteria: Invitae Variant Classification Sherloc (09022015). Collection method: clinical testing. Allele origin: germline.
Comment: This variant has not been reported in the literature in individuals affected with CEP57-related conditions. This sequence change replaces glycine, which is neutral and non-polar, with serine, which is neutral and polar, at codon 341 of the CEP57 protein (p.Gly341Ser). This variant is not present in population databases (gnomAD no frequency). ClinVar contains an entry for this variant (Variation ID: 934593). Algorithms developed to predict the effect of missense changes on protein structure and function output the following: SIFT: "Tolerated"; PolyPhen-2: "Benign"; Align-GVGD: "Class C0". The serine amino acid residue is found in multiple mammalian species, which suggests that this missense change does not adversely affect protein function. In summary, the available evidence is currently insufficient to determine the role of this variant in disease. Therefore, it has been classified as a Variant of Uncertain Significance.